The following is an entry in ClinVar:

ClinVar aggregate classification (germline): Uncertain significance (1 of 4 stars; one submission).

Conditions:
KCNA2-related disorder. Also called: KCNA2-related condition.

Submission:

GeneDx
Classification: Uncertain significance. Last evaluated: 2020-09-04. Review status: criteria provided, single submitter. Criteria: GeneDx Variant Classification Process June 2021. Collection method: clinical testing. Allele origin: germline. Affected: yes.
Comment: Not observed in large population cohorts (Lek et al., 2016); In silico analysis supports that this missense variant has a deleterious effect on protein structure/function; Has not been previously published as pathogenic or benign to our knowledge

NM_004974.4(KCNA2):c.739A>G (p.Lys247Glu)

Gene: KCNA2 (potassium voltage-gated channel subfamily A member 2; minus strand). Cytogenetic location: 1p13.3.
Variant type: single nucleotide variant.
Coding change: c.739A>G on transcript NM_004974.4 (MANE Select); coding-DNA position 739, A replaced by G.
Protein change: p.Lys247Glu; replaces lysine 247 with glutamic acid.
Molecular consequence: missense variant.
Genome position (GRCh38, 1-based): chr1:110,604,044, T>C on the plus strand (A>G on the coding strand, the complement: KCNA2 is on the minus strand). VCF-style: chr1-110604044-T-C. GRCh37 (hg19) VCF-style: chr1-111146666-T-C.
Other names: c.739A>G, p.Lys247Glu (NM_001204269.2); short protein forms K247E.
Identifiers: ClinVar variation 1303863 (VCV001303863.4), dbSNP rs2101399657, ClinGen allele CA341603309.